The following is an entry in ClinVar:

ClinVar aggregate classification (germline): Uncertain significance. Review status: criteria provided, multiple submitters, no conflicts (2 of 4 stars). 2 submissions from 2 submitters: Uncertain significance (2). Last evaluated 2025-10-20.

Conditions:
Hereditary cancer-predisposing syndrome. Also called: Tumor predisposition; Neoplastic Syndromes, Hereditary; Hereditary neoplastic syndrome; Hereditary Cancer Syndrome. Identifiers: Orphanet 140162, MedGen C0027672, MeSH D009386, MONDO:0015356.
Gastrointestinal stromal tumor. Also called: Gastrointestinal stromal tumor, somatic; Gastrointestinal stroma tumor. Identifiers: Orphanet 44890, MedGen C0238198, MeSH D046152, MONDO:0011719, OMIM 606764, HP:0100723.

Allele frequency attached by ClinVar (database versions not stated): TOPMed 0.00001; gnomAD exomes below 0.00001 and 0.00001; gnomAD 0.00001.
gnomAD v4.1: 4 of 1,614,046 alleles (0.00025%); highest among the groups gnomAD compares: East Asian, 0.0067%; no homozygotes.

Submissions (2):

Labcorp Genetics (formerly Invitae), Labcorp
Classification: Uncertain significance for Gastrointestinal stromal tumor. Last evaluated: 2025-10-20. Review status: criteria provided, single submitter. Criteria: Invitae Variant Classification Sherloc (09022015). Collection method: clinical testing. Allele origin: germline.
Comment: This sequence change replaces isoleucine, which is neutral and non-polar, with valine, which is neutral and non-polar, at codon 201 of the KIT protein (p.Ile201Val). This variant is present in population databases (no rsID available, gnomAD 0.006%). This variant has not been reported in the literature in individuals affected with KIT-related conditions. ClinVar contains an entry for this variant (Variation ID: 1056110). An algorithm developed to predict the effect of missense changes on protein structure and function outputs the following: PolyPhen-2: "Benign". The valine amino acid residue is found in multiple mammalian species, which suggests that this missense change does not adversely affect protein function. In summary, the available evidence is currently insufficient to determine the role of this variant in disease. Therefore, it has been classified as a Variant of Uncertain Significance.

Ambry Genetics
Classification: Uncertain significance for Hereditary cancer-predisposing syndrome. Last evaluated: 2021-11-22. Review status: criteria provided, single submitter. Criteria: Ambry Variant Classification Scheme 2023. Collection method: clinical testing. Allele origin: germline.
Comment: The p.I201V variant (also known as c.601A>G), located in coding exon 3 of the KIT gene, results from an A to G substitution at nucleotide position 601. The isoleucine at codon 201 is replaced by valine, an amino acid with highly similar properties. This amino acid position is conserved. In addition, this alteration is predicted to be tolerated by in silico analysis. Since supporting evidence is limited at this time, the clinical significance of this alteration remains unclear.

NM_000222.3(KIT):c.601A>G (p.Ile201Val)

Gene: KIT (KIT proto-oncogene, receptor tyrosine kinase; plus strand). Cytogenetic location: 4q12.
Variant type: single nucleotide variant.
Coding change: c.601A>G on transcript NM_000222.3 (MANE Select); coding-DNA position 601, A replaced by G.
Protein change: p.Ile201Val; replaces isoleucine 201 with valine.
Molecular consequence: missense variant.
Genome position (GRCh38, 1-based): chr4:54,698,547, A>G. VCF-style: chr4-54698547-A-G. GRCh37 (hg19) VCF-style: chr4-55564713-A-G.
Other names: c.601A>G, p.Ile201Val (NM_001093772.2, NM_001385284.1, NM_001385285.1 and 4 more transcripts); short protein forms I201V.
Identifiers: ClinVar variation 1056110 (VCV001056110.9), dbSNP rs1019588542, ClinGen allele CA96848255.